The following is an entry in ClinVar:

NM_000430.4(PAFAH1B1):c.112G>A (p.Asp38Asn)

Gene: PAFAH1B1 (platelet activating factor acetylhydrolase 1b regulatory subunit 1; plus strand). Cytogenetic location: 17p13.3.
Variant type: single nucleotide variant.
Coding change: c.112G>A on transcript NM_000430.4 (MANE Select); coding-DNA position 112, G replaced by A.
Protein change: p.Asp38Asn; replaces aspartic acid 38 with asparagine.
Molecular consequence: missense variant.
Genome position (GRCh38, 1-based): chr17:2,665,451, G>A. VCF-style: chr17-2665451-G-A. GRCh37 (hg19) VCF-style: chr17-2568745-G-A.
Other names: short protein forms D38N.
Identifiers: ClinVar variation 196271 (VCV000196271.8), dbSNP rs767670214, ClinGen allele CA243167.
Genomic context (GRCh38, chr17:2,665,451, plus strand): 5'-TATCTTCGTTCAAATGGCTATGAAGAGGCATATTCAGTTTTTAAAAAGGAAGCTGAATTA[G>A]ATGTGGTATGTTTTACTTTTTACAATTCAAAGTATAGTTAATGAGTGGATTTTCACTCAA-3'
Protein context (NP_000421.1, residues 28-48): YSVFKKEAEL[Asp38Asn]VNEELDKKYA

ClinVar aggregate classification (germline): Uncertain significance. Review status: criteria provided, multiple submitters, no conflicts (2 of 4 stars). 2 submissions from 2 submitters: Uncertain significance (2). Last evaluated 2024-04-18.

Allele frequency attached by ClinVar (database versions not stated): TOPMed below 0.00001.

Submissions (2):

Labcorp Genetics (formerly Invitae), Labcorp
Classification: Uncertain significance. Last evaluated: 2024-04-18. Review status: criteria provided, single submitter. Criteria: Invitae Variant Classification Sherloc (09022015). Collection method: clinical testing. Allele origin: germline.
Comment: This sequence change replaces aspartic acid, which is acidic and polar, with asparagine, which is neutral and polar, at codon 38 of the PAFAH1B1 protein (p.Asp38Asn). This variant is not present in population databases (gnomAD no frequency). This variant has not been reported in the literature in individuals affected with PAFAH1B1-related conditions. ClinVar contains an entry for this variant (Variation ID: 196271). An algorithm developed to predict the effect of missense changes on protein structure and function (PolyPhen-2) suggests that this variant is likely to be tolerated. In summary, the available evidence is currently insufficient to determine the role of this variant in disease. Therefore, it has been classified as a Variant of Uncertain Significance.

Eurofins Ntd Llc (ga)
Classification: Uncertain significance. Last evaluated: 2014-10-28. Review status: criteria provided, single submitter. Criteria: EGL Classification Definitions 2015. Collection method: clinical testing. Allele origin: germline. Observed: 1 variant allele, 1 heterozygote.